The following is an entry in ClinVar:

NM_024422.6(DSC2):c.588_589insCGTGTCCT (p.Cys197fs)

Gene: DSC2 (desmocollin 2; minus strand). Cytogenetic location: 18q12.1.
Variant type: Insertion.
Coding change: c.588_589insCGTGTCCT on transcript NM_024422.6 (MANE Select); coding-DNA positions 588 to 589, CGTGTCCT inserted.
Protein change: p.Cys197fs; shifts the reading frame from cysteine 197.
Molecular consequence: frameshift variant.
Genome position: GRCh38 VCF-style: chr18-31089480-A-AAGGACACG. GRCh37 (hg19) VCF-style: chr18-28669443-A-AAGGACACG.
Other names: c.159_160insCGTGTCCT, p.Cys54fs (NM_001406506.1, NM_001406507.1); c.588_589insCGTGTCCT, p.Cys197fs (NM_004949.5); short protein forms C197fs, C54fs.
Identifiers: ClinVar variation 3386546 (VCV003386546.1).
Genomic context (GRCh38, chr18:31,089,480, plus strand): 5'-CACACATTTTAGACTTTACCTCAAAAGATTCATACTGCTCACGATCTACAGGACGAGTAC[A>AAGGACACG]ATACAAGTTTCCAGTGTCTCTCTCCACATAAAATAAATTCCGAGGTTCTTGGTCAACTCC-3'

ClinVar aggregate classification (germline): Uncertain significance (1 of 4 stars; one submission).

Conditions:
Familial isolated arrhythmogenic right ventricular dysplasia. Identifiers: Orphanet 217656, MedGen C4274968, MONDO:0016342.

Submission:

All of Us Research Program, National Institutes of Health
Classification: Uncertain significance for Familial isolated arrhythmogenic right ventricular dysplasia. Last evaluated: 2024-07-10. Review status: criteria provided, single submitter. Criteria: ACMG Guidelines, 2015. Collection method: clinical testing. Allele origin: germline. Inheritance: Autosomal dominant inheritance. Observed: 1 variant allele, 1 heterozygote.
Comment: This variant inserts 8 nucleotides in exon 5 of the DSC2 gene, creating a frameshift and premature translation stop signal. This variant is expected to result in an absent or non-functional protein product. To our knowledge, this variant has not been reported in individuals affected with DSC2-related disorders in the literature. This variant has not been identified in the general population by the Genome Aggregation Database (gnomAD). Although there is a suspicion for a pathogenic role, clinical relevance of loss-of-function DSC2 truncation and splice variants in autosomal dominant arrhythmogenic cardiomyopathy is not yet clearly established. The available evidence is insufficient to determine the role of this variant in disease conclusively. Therefore, this variant is classified as a Variant of Uncertain Significance.

This study involves interpretation of variants in research participants for the purpose of population health screening. Participant phenotype was not available at the time of variant classification. Additional details can be found in publication PMID: 35346344, PMCID: PMC8962531